The following is an entry in ClinVar:

NM_080680.3(COL11A2):c.965C>T (p.Pro322Leu)

Gene: COL11A2 (collagen type XI alpha 2 chain; minus strand). Cytogenetic location: 6p21.32.
Variant type: single nucleotide variant.
Coding change: c.965C>T on transcript NM_080680.3 (MANE Select); coding-DNA position 965, C replaced by T.
Protein change: p.Pro322Leu; replaces proline 322 with leucine.
Molecular consequence: missense variant. On other transcripts: intron variant (2).
Genome position (GRCh38, 1-based): chr6:33,184,299, G>A on the plus strand (C>T on the coding strand, the complement: COL11A2 is on the minus strand). VCF-style: chr6-33184299-G-A. GRCh37 (hg19) VCF-style: chr6-33152076-G-A.
Other names: c.798+2328C>T (NM_080679.3); c.861+693C>T (NM_080681.3); short protein forms P322L.
Identifiers: ClinVar variation 2124914 (VCV002124914.2), dbSNP rs2535429685, ClinGen allele CA363609088.

ClinVar aggregate classification (germline): Uncertain significance (1 of 4 stars; one submission).

Submission:

Labcorp Genetics (formerly Invitae), Labcorp
Classification: Uncertain significance. Last evaluated: 2025-04-14. Review status: criteria provided, single submitter. Criteria: Invitae Variant Classification Sherloc (09022015). Collection method: clinical testing. Allele origin: germline.
Comment: This sequence change replaces proline, which is neutral and non-polar, with leucine, which is neutral and non-polar, at codon 322 of the COL11A2 protein (p.Pro322Leu). This variant is not present in population databases (gnomAD no frequency). This variant has not been reported in the literature in individuals affected with COL11A2-related conditions. ClinVar contains an entry for this variant (Variation ID: 2124914). Invitae Evidence Modeling of protein sequence and biophysical properties (such as structural, functional, and spatial information, amino acid conservation, physicochemical variation, residue mobility, and thermodynamic stability) indicates that this missense variant is not expected to disrupt COL11A2 protein function with a negative predictive value of 95%. In summary, the available evidence is currently insufficient to determine the role of this variant in disease. Therefore, it has been classified as a Variant of Uncertain Significance.